The following is an entry in ClinVar:

ClinVar aggregate classification (germline): Uncertain significance. Review status: criteria provided, multiple submitters, no conflicts (2 of 4 stars). 3 submissions from 3 submitters: Uncertain significance (3). Last evaluated 2025-06-20.

Conditions:
Hereditary cancer-predisposing syndrome. Also called: Hereditary Cancer Syndrome; Hereditary neoplastic syndrome; Tumor predisposition; Neoplastic Syndromes, Hereditary. Identifiers: Orphanet 140162, MedGen C0027672, MeSH D009386, MONDO:0015356.
Hereditary nonpolyposis colorectal neoplasms. Identifiers: MedGen C0009405, MeSH D003123.

gnomAD v4.1: 1 of 1,606,046 alleles (0.000062%); highest among the groups gnomAD compares: Non-Finnish European, 0.000085%; no homozygotes.

Submissions (3):

Color Diagnostics, LLC DBA Color Health
Classification: Uncertain significance for Hereditary cancer-predisposing syndrome. Last evaluated: 2025-06-20. Review status: criteria provided, single submitter. Criteria: ACMG Guidelines, 2015. Collection method: clinical testing. Allele origin: germline.
Comment: This missense variant replaces aspartic acid with histidine at codon 784 of the PMS2 protein. Computational prediction suggests that this variant may not impact protein structure and function. To our knowledge, functional studies have not been reported for this variant. This variant has not been reported in individuals affected with PMS2-related disorders in the literature. This variant has not been identified in the general population by the Genome Aggregation Database (gnomAD). The available evidence is insufficient to determine the role of this variant in disease conclusively. Therefore, this variant is classified as a Variant of Uncertain Significance.

Ambry Genetics
Classification: Uncertain significance for Hereditary cancer-predisposing syndrome. Last evaluated: 2024-10-03. Review status: criteria provided, single submitter. Criteria: Ambry Variant Classification Scheme 2023. Collection method: clinical testing. Allele origin: germline.
Comment: The p.D784H variant (also known as c.2350G>C), located in coding exon 14 of the PMS2 gene, results from a G to C substitution at nucleotide position 2350. The aspartic acid at codon 784 is replaced by histidine, an amino acid with similar properties. This amino acid position is not well conserved in available vertebrate species. In addition, the in silico prediction for this alteration is inconclusive. Based on the available evidence, the clinical significance of this variant remains unclear.

Labcorp Genetics (formerly Invitae), Labcorp
Classification: Uncertain significance for Hereditary nonpolyposis colorectal neoplasms. Last evaluated: 2023-05-02. Review status: criteria provided, single submitter. Criteria: Invitae Variant Classification Sherloc (09022015). Collection method: clinical testing. Allele origin: germline.
Comment: In summary, the available evidence is currently insufficient to determine the role of this variant in disease. Therefore, it has been classified as a Variant of Uncertain Significance. Advanced modeling of protein sequence and biophysical properties (such as structural, functional, and spatial information, amino acid conservation, physicochemical variation, residue mobility, and thermodynamic stability) has been performed at Invitae for this missense variant, however the output from this modeling did not meet the statistical confidence thresholds required to predict the impact of this variant on PMS2 protein function. ClinVar contains an entry for this variant (Variation ID: 1790006). This variant has not been reported in the literature in individuals affected with PMS2-related conditions. The frequency data for this variant in the population databases (gnomAD) is considered unreliable due to the presence of homologous sequence, such as pseudogenes or paralogs, in the genome. This sequence change replaces aspartic acid, which is acidic and polar, with histidine, which is basic and polar, at codon 784 of the PMS2 protein (p.Asp784His).

NM_000535.7(PMS2):c.2350G>C (p.Asp784His)

Gene: PMS2 (PMS1 homolog 2, mismatch repair system component; minus strand). Cytogenetic location: 7p22.1.
Variant type: single nucleotide variant.
Coding change: c.2350G>C on transcript NM_000535.7 (MANE Select); coding-DNA position 2350, G replaced by C.
Protein change: p.Asp784His; replaces aspartic acid 784 with histidine.
Molecular consequence: missense variant. On other transcripts: non-coding transcript variant (1).
Genome position (GRCh38, 1-based): chr7:5,977,683, C>G on the plus strand (G>C on the coding strand, the complement: PMS2 is on the minus strand). VCF-style: chr7-5977683-C-G. GRCh37 (hg19) VCF-style: chr7-6017314-C-G.
Other names: c.1945G>C, p.Asp649His (NM_001018040.1, NM_001322003.2, NM_001322004.2 and 12 more transcripts); c.2194G>C, p.Asp732His (NM_001322006.2); c.2032G>C, p.Asp678His (NM_001322007.2, NM_001322008.2, NM_001406883.1); c.1978G>C, p.Asp660His (NM_001322009.2, NM_001406887.1, NM_001406888.1); c.1789G>C, p.Asp597His (NM_001322010.2, NM_001406906.1, NM_001406907.1); c.1417G>C, p.Asp473His (NM_001322011.2, NM_001322012.2); c.1777G>C, p.Asp593His (NM_001322013.2, NM_001406908.1, NM_001406909.1); c.2383G>C, p.Asp795His (NM_001322014.2); and 20 more; short protein forms D527H, D597H, D629H, D672H, D676H, D678H, D748H, D795H.
Identifiers: ClinVar variation 1790006 (VCV001790006.8), dbSNP rs143340522, ClinGen allele CA366735883.